The following is an entry in ClinVar:

NM_007289.4(MME):c.887C>A (p.Pro296Gln)

Gene: MME (membrane metalloendopeptidase; plus strand). Cytogenetic location: 3q25.2.
Variant type: single nucleotide variant.
Coding change: c.887C>A on transcript NM_007289.4 (MANE Select); coding-DNA position 887, C replaced by A.
Protein change: p.Pro296Gln; replaces proline 296 with glutamine.
Molecular consequence: missense variant.
Genome position (GRCh38, 1-based): chr3:155,140,222, C>A. VCF-style: chr3-155140222-C-A. GRCh37 (hg19) VCF-style: chr3-154858011-C-A.
Other names: p.Pro296Gln; c.887C>A, p.Pro296Gln (NM_000902.5, NM_001354642.2, NM_001354643.1 and 2 more transcripts); c.887C>A (NM_007289.2, NM_007289.3); short protein forms P296Q.
Identifiers: ClinVar variation 1471397 (VCV001471397.6), dbSNP rs761905435, ClinGen allele CA355129545.

ClinVar aggregate classification (germline): Uncertain significance. Review status: criteria provided, multiple submitters, no conflicts (2 of 4 stars). 4 submissions from 4 submitters: Uncertain significance (4). Last evaluated 2025-09-25.

Conditions:
Inborn genetic diseases. Identifiers: MedGen C0950123, MeSH D030342.

Allele frequency attached by ClinVar (database versions not stated): TOPMed 0.00001; gnomAD 0.00002.
gnomAD v4.1: 3 of 1,612,096 alleles (0.00019%); highest among the groups gnomAD compares: Non-Finnish European, 0.00025%; no homozygotes.

Submissions (4):

Mayo Clinic Laboratories, Mayo Clinic
Classification: Uncertain significance. Last evaluated: 2025-09-25. Review status: criteria provided, single submitter. Criteria: ACMG Guidelines, 2015. Collection method: clinical testing. Allele origin: germline. Observed: 1 variant allele.
Comment: PM2_supporting

GeneDx
Classification: Uncertain significance. Last evaluated: 2024-08-27. Review status: criteria provided, single submitter. Criteria: GeneDx Variant Classification Process June 2021. Collection method: clinical testing. Allele origin: germline. Affected: yes.
Comment: Not observed at significant frequency in large population cohorts (gnomAD); In silico analysis indicates that this missense variant does not alter protein structure/function; Has not been previously published as pathogenic or benign to our knowledge

Ambry Genetics
Classification: Uncertain significance for Inborn genetic diseases. Last evaluated: 2024-04-22. Review status: criteria provided, single submitter. Criteria: Ambry Variant Classification Scheme 2023. Collection method: clinical testing. Allele origin: germline.

Labcorp Genetics (formerly Invitae), Labcorp
Classification: Uncertain significance. Last evaluated: 2021-09-15. Review status: criteria provided, single submitter. Criteria: Invitae Variant Classification Sherloc (09022015). Collection method: clinical testing. Allele origin: germline.
Comment: This sequence change replaces proline with glutamine at codon 296 of the MME protein (p.Pro296Gln). The proline residue is moderately conserved and there is a moderate physicochemical difference between proline and glutamine. This variant is not present in population databases (ExAC no frequency). This variant has not been reported in the literature in individuals affected with MME-related conditions. Algorithms developed to predict the effect of missense changes on protein structure and function are either unavailable or do not agree on the potential impact of this missense change (SIFT: "Tolerated"; PolyPhen-2: "Probably Damaging"; Align-GVGD: "Class C0"). In summary, the available evidence is currently insufficient to determine the role of this variant in disease. Therefore, it has been classified as a Variant of Uncertain Significance.